The following is an entry in ClinVar:

NM_001148.6(ANK2):c.3913C>T (p.Arg1305Ter)

Gene: ANK2 (ankyrin 2; plus strand). Cytogenetic location: 4q26.
Variant type: single nucleotide variant.
Coding change: c.3913C>T on transcript NM_001148.6 (MANE Select); coding-DNA position 3913, C replaced by T.
Protein change: p.Arg1305Ter; replaces arginine 1305 with a stop codon.
Molecular consequence: nonsense.
Genome position (GRCh38, 1-based): chr4:113,341,707, C>T. VCF-style: chr4-113341707-C-T. GRCh37 (hg19) VCF-style: chr4-114262863-C-T.
Other names: c.3886C>T, p.Arg1296Ter (NM_001127493.3); c.3628C>T, p.Arg1210Ter (NM_001386151.1, NM_001354260.2, NM_001354271.2); c.3970C>T, p.Arg1324Ter (NM_001386152.1); c.3727C>T, p.Arg1243Ter (NM_001386153.1, NM_001386162.1, NM_001354249.2 and 6 more transcripts); c.3712C>T, p.Arg1238Ter (NM_001386154.1, NM_001354274.2, NM_001386142.1); c.3652C>T, p.Arg1218Ter (NM_001386156.1, NM_001354257.2); c.3529C>T, p.Arg1177Ter (NM_001386157.1, NM_001354277.2); c.3430C>T, p.Arg1144Ter (NM_001386158.1); and 31 more; short protein forms R105*, R1144*, R1177*, R1205*, R1210*, R1218*, R1230*, R1234*.
Identifiers: ClinVar variation 3376712 (VCV003376712.2).

ClinVar aggregate classification (germline): Conflicting classifications of pathogenicity. Review status: criteria provided, conflicting classifications (1 of 4 stars). 2 submissions from 2 submitters: Pathogenic (1); Uncertain significance (1). Last evaluated 2026-01-26.

Conditions:
Neurodevelopmental disorder. Identifiers: MedGen C1535926, MeSH D065886, MONDO:0700092.
ANK2-related disorder. Also called: ANK2-related condition.

gnomAD v4.1: 1 of 1,614,052 alleles (0.000062%); highest among the groups gnomAD compares: Non-Finnish European, 0.000085%; no homozygotes.

Submissions (2):

3billion
Classification: Uncertain significance for ANK2-related disorder. Last evaluated: 2026-01-26. Review status: criteria provided, single submitter. Criteria: ACMG Guidelines, 2015. Collection method: clinical testing. Allele origin: germline. Affected: yes.
Comment: The variant is observed at an extremely low frequency in the gnomAD v4.1.0 dataset (total allele frequency: <0.001%). Predicted Consequence/Location: Stop-gained (nonsense) variant The variant has been reported to be associated with ANK2-related disorder (ClinVar ID: VCV003376712 /PMID: 38958063). However, the evidence of pathogenicity is insufficient at this time. Therefore, this variant is classified as VUS according to the recommendation of ACMG/AMP guideline.

Victorian Clinical Genetics Services, Murdoch Childrens Research Institute
Classification: Pathogenic for Neurodevelopmental disorder. Last evaluated: 2023-07-16. Review status: criteria provided, single submitter. Criteria: ACMG Guidelines, 2015. Collection method: clinical testing. Allele origin: germline. Inheritance: Autosomal dominant inheritance. Affected: yes.
Comment: Based on the classification scheme VCGS_Germline_v1.3.4, this variant is classified as Pathogenic. Following criteria are met: 0102 - Loss of function is a known mechanism of disease in this gene and is associated with neurodevelopmental disorder, ANK2-related (MONDO#0700092). The association to cardiac arrhythmia, ankyrin-B-related (MIM#600919), and long QT syndrome 4 (MIM#600919) is currently disputed (ClinGen). (I) 0107 - This gene is associated with autosomal dominant disease. (I) 0201 - Variant is predicted to cause nonsense-mediated decay (NMD) and loss of protein (premature termination codon is located at least 54 nucleotides upstream of the final exon-exon junction). (SP) 0251 - This variant is heterozygous. (I) 0301 - Variant is absent from gnomAD (both v2 and v3). (SP) 0702 - Other NMD-predicted variants comparable to the one identified in this case have strong previous evidence for pathogenicity. These variants have been observed commonly as de novo in large cohort studies of individuals with autism or intellectual disability (ClinGen, PMID: 28191889, PMID: 28554332), and a single individual who also had seizures (DECIPHER). (SP) 0807 - This variant has no previous evidence of pathogenicity. (I) 0905 - No published segregation evidence has been identified for this variant. (I) 1007 - No published functional evidence has been identified for this variant. (I) Legend: (SP) - Supporting pathogenic, (I) - Information, (SB) - Supporting benign

Literature cited by the submitters: PubMed 38958063 (cited by 3billion); PubMed 28191889 (cited by Victorian Clinical Genetics Services, Murdoch Childrens Research Institute); PubMed 28554332 (cited by Victorian Clinical Genetics Services, Murdoch Childrens Research Institute).